The following is an entry in ClinVar:

ClinVar aggregate classification (germline): Uncertain significance (1 of 4 stars; one submission).

gnomAD v4.1: 2 of 1,611,084 alleles (0.00012%); highest among the groups gnomAD compares: Non-Finnish European, 0.00017%; no homozygotes.

Submission:

Labcorp Genetics (formerly Invitae), Labcorp
Classification: Uncertain significance. Last evaluated: 2024-06-19. Review status: criteria provided, single submitter. Criteria: Invitae Variant Classification Sherloc (09022015). Collection method: clinical testing. Allele origin: germline.
Comment: This sequence change replaces aspartic acid, which is acidic and polar, with asparagine, which is neutral and polar, at codon 164 of the CACNA2D4 protein (p.Asp164Asn). This variant is present in population databases (no rsID available, gnomAD 0.007%). This variant has not been reported in the literature in individuals affected with CACNA2D4-related conditions. Algorithms developed to predict the effect of missense changes on protein structure and function output the following: SIFT: "Not Available"; PolyPhen-2: "Benign"; Align-GVGD: "Not Available". The asparagine amino acid residue is found in multiple mammalian species, which suggests that this missense change does not adversely affect protein function. In summary, the available evidence is currently insufficient to determine the role of this variant in disease. Therefore, it has been classified as a Variant of Uncertain Significance.

NM_172364.5(CACNA2D4):c.490G>A (p.Asp164Asn)

Gene: CACNA2D4 (calcium voltage-gated channel auxiliary subunit alpha2delta 4; minus strand). Cytogenetic location: 12p13.33.
Variant type: single nucleotide variant.
Coding change: c.490G>A on transcript NM_172364.5 (MANE Select); coding-DNA position 490, G replaced by A.
Protein change: p.Asp164Asn; replaces aspartic acid 164 with asparagine.
Molecular consequence: missense variant.
Genome position (GRCh38, 1-based): chr12:1,908,034, C>T on the plus strand (G>A on the coding strand, the complement: CACNA2D4 is on the minus strand). VCF-style: chr12-1908034-C-T. GRCh37 (hg19) VCF-style: chr12-2017200-C-T.
Other names: short protein forms D164N.
Identifiers: ClinVar variation 3614779 (VCV003614779.2).